The following is an entry in ClinVar:

NM_133497.4(KCNV2):c.389C>T (p.Thr130Ile)

Gene: KCNV2 (potassium voltage-gated channel modifier subfamily V member 2; plus strand). Cytogenetic location: 9p24.2.
Variant type: single nucleotide variant.
Coding change: c.389C>T on transcript NM_133497.4 (MANE Select); coding-DNA position 389, C replaced by T.
Protein change: p.Thr130Ile; replaces threonine 130 with isoleucine.
Molecular consequence: missense variant.
Genome position (GRCh38, 1-based): chr9:2,718,128, C>T. VCF-style: chr9-2718128-C-T. GRCh37 (hg19) VCF-style: chr9-2718128-C-T.
Other names: short protein forms T130I.
Identifiers: ClinVar variation 914687 (VCV000914687.13), dbSNP rs541196988, ClinGen allele CA4965430.

ClinVar aggregate classification (germline): Benign/Likely benign. Review status: criteria provided, multiple submitters, no conflicts (2 of 4 stars). 3 submissions from 3 submitters: Benign (1); Likely benign (2). Last evaluated 2026-01-14.

Conditions:
Cone dystrophy with supernormal rod response (CDSRR). Also called: CONE DYSTROPHY WITH SUPERNORMAL ROD RESPONSES. Identifiers: Orphanet 209932, MedGen C1835897, MONDO:0012475, OMIM 610356.

Allele frequency attached by ClinVar (database versions not stated): TOPMed 0.00002; 1000 Genomes Project 30x 0.00219; 1000 Genomes Project 0.00220.

Submissions (3):

Labcorp Genetics (formerly Invitae), Labcorp
Classification: Benign. Last evaluated: 2026-01-14. Review status: criteria provided, single submitter. Criteria: Invitae Variant Classification Sherloc (09022015). Collection method: clinical testing. Allele origin: germline.

Blueprint Genetics
Classification: Likely benign. Last evaluated: 2024-08-13. Review status: criteria provided, single submitter. Criteria: ACMG Guidelines, 2015. Collection method: clinical testing. Allele origin: germline.

Illumina Laboratory Services, Illumina
Classification: Likely benign for Cone dystrophy with supernormal rod response. Last evaluated: 2018-01-13. Review status: criteria provided, single submitter. Criteria: ICSL Variant Classification Criteria 13 December 2019. Collection method: clinical testing. Allele origin: germline.
Comment: This variant was observed in the ICSL laboratory as part of a predisposition screen in an ostensibly healthy population. It had not been previously curated by ICSL or reported in the Human Gene Mutation Database (HGMD: prior to June 1st, 2018), and was therefore a candidate for classification through an automated scoring system. Utilizing variant allele frequency, disease prevalence and penetrance estimates, and inheritance mode, an automated score was calculated to assess if this variant is too frequent to cause the disease. Based on the score and internal cut-off values, a variant classified as likely benign is not then subjected to further curation. The score for this variant resulted in a classification of likely benign for this disease.